The following is an entry in ClinVar:

NM_001035.3(RYR2):c.8130T>G (p.Asn2710Lys)

Gene: RYR2 (ryanodine receptor 2; plus strand). Cytogenetic location: 1q43.
Variant type: single nucleotide variant.
Coding change: c.8130T>G on transcript NM_001035.3 (MANE Select); coding-DNA position 8130, T replaced by G.
Protein change: p.Asn2710Lys; replaces asparagine 2710 with lysine.
Molecular consequence: missense variant.
Genome position (GRCh38, 1-based): chr1:237,657,944, T>G. VCF-style: chr1-237657944-T-G. GRCh37 (hg19) VCF-style: chr1-237821244-T-G.
Other names: c.8130T>G, p.Asn2710Lys (LRG_402t1); short protein forms N2710K.
Identifiers: ClinVar variation 235054 (VCV000235054.20), dbSNP rs876661388, ClinGen allele CA10581133.
Genomic context (GRCh38, chr1:237,657,944, plus strand): 5'-AATATGATTTCCTGTAAATTCTGTGAAAATCAAGCTCTTTTGTCTTTACTTTTCTCATAG[T>G]ATTACAATTCCTGAGAAATTGGAATACTTCATTAACAAATATGCAGAACACTCCCATGAC-3'
Protein context (NP_001026.2, residues 2700-2720): NFNPQPVDTS[Asn2710Lys]ITIPEKLEYF

ClinVar aggregate classification (germline): Uncertain significance. Review status: criteria provided, multiple submitters, no conflicts (2 of 4 stars). 5 submissions from 5 submitters: Uncertain significance (5). Last evaluated 2025-12-02.

Conditions:
Cardiovascular phenotype. Identifiers: MedGen CN230736.
Catecholaminergic polymorphic ventricular tachycardia (CVPT). Also called: Catecholamine-induced polymorphic ventricular tachycardia. Identifiers: Orphanet 3286, MedGen C5574922, MONDO:0017990.
Catecholaminergic polymorphic ventricular tachycardia 1. Also called: VENTRICULAR TACHYCARDIA, CATECHOLAMINERGIC POLYMORPHIC, 1, WITH OR WITHOUT ATRIAL DYSFUNCTION AND/OR DILATED CARDIOMYOPATHY; RYR2-Related Catecholaminergic Polymorphic Ventricular Tachycardia; VENTRICULAR TACHYCARDIA, STRESS-INDUCED POLYMORPHIC 1. Identifiers: Orphanet 3286, MedGen C1631597, MONDO:0011484, OMIM 604772.
Cardiomyopathy (CMYO). Also called: Cardiomyopathies. Identifiers: Orphanet 167848, MedGen C0878544, MONDO:0004994, HP:0001638. Inheritance: Various modes of inheritance.

Allele frequency attached by ClinVar (database versions not stated): gnomAD 0.00002; TOPMed 0.00002.
gnomAD v4.1: 5 of 1,479,772 alleles (0.00034%); highest among the groups gnomAD compares: African/African-American, 0.0043%; no homozygotes.

Submissions (5):

Ambry Genetics
Classification: Uncertain significance for Cardiovascular phenotype. Last evaluated: 2025-12-02. Review status: criteria provided, single submitter. Criteria: Ambry Variant Classification Scheme 2023. Collection method: clinical testing. Allele origin: germline.
Comment: The p.N2710K variant (also known as c.8130T>G), located in coding exon 54 of the RYR2 gene, results from a T to G substitution at nucleotide position 8130. The asparagine at codon 2710 is replaced by lysine, an amino acid with similar properties. This change occurs in the first base pair of coding exon 54. This amino acid position is well conserved in available vertebrate species. In addition, this alteration is predicted to be tolerated by in silico analysis. Since supporting evidence is limited at this time, the clinical significance of this alteration remains unclear.

All of Us Research Program, National Institutes of Health
Classification: Uncertain significance for Catecholaminergic polymorphic ventricular tachycardia. Last evaluated: 2023-10-02. Review status: criteria provided, single submitter. Criteria: ACMG Guidelines, 2015. Collection method: clinical testing. Allele origin: germline. Inheritance: Autosomal dominant inheritance. Observed: 1 variant allele, 1 heterozygote.
Comment: This missense variant replaces asparagine with lysine at codon 2710 of the RYR2 protein. Computational prediction is inconclusive regarding the impact of this variant on protein structure and function (internally defined REVEL score threshold 0.5 < inconclusive < 0.7, PMID: 27666373). Splice site prediction tools suggest that this variant may not impact RNA splicing. To our knowledge, functional studies have not been performed for this variant. This variant has not been reported in individuals affected with cardiovascular disorders in the literature. This variant has not been identified in the general population by the Genome Aggregation Database (gnomAD). The available evidence is insufficient to determine the role of this variant in disease conclusively. Therefore, this variant is classified as a Variant of Uncertain Significance.

This study involves interpretation of variants in research participants for the purpose of population health screening. Participant phenotype was not available at the time of variant classification. Additional details can be found in publication PMID: 35346344, PMCID: PMC8962531

Color Diagnostics, LLC DBA Color Health
Classification: Uncertain significance for Cardiomyopathy. Last evaluated: 2023-09-14. Review status: criteria provided, single submitter. Criteria: ACMG Guidelines, 2015. Collection method: clinical testing. Allele origin: germline.
Comment: This missense variant replaces asparagine with lysine at codon 2710 of the RYR2 protein. Computational prediction is inconclusive regarding the impact of this variant on protein structure and function (internally defined REVEL score threshold 0.5 < inconclusive < 0.7, PMID: 27666373). To our knowledge, functional studies have not been reported for this variant. This variant has not been reported in individuals affected with RYR2-related disorders in the literature. This variant has not been identified in the general population by the Genome Aggregation Database (gnomAD). The available evidence is insufficient to determine the role of this variant in disease conclusively. Therefore, this variant is classified as a Variant of Uncertain Significance.

Labcorp Genetics (formerly Invitae), Labcorp
Classification: Uncertain significance for Catecholaminergic polymorphic ventricular tachycardia 1. Last evaluated: 2023-08-18. Review status: criteria provided, single submitter. Criteria: Invitae Variant Classification Sherloc (09022015). Collection method: clinical testing. Allele origin: germline.
Comment: This variant has not been reported in the literature in individuals affected with RYR2-related conditions. In summary, the available evidence is currently insufficient to determine the role of this variant in disease. Therefore, it has been classified as a Variant of Uncertain Significance. An algorithm developed to predict the effect of missense changes on protein structure and function (PolyPhen-2) suggests that this variant is likely to be disruptive. ClinVar contains an entry for this variant (Variation ID: 235054). This variant is not present in population databases (gnomAD no frequency). This sequence change replaces asparagine, which is neutral and polar, with lysine, which is basic and polar, at codon 2710 of the RYR2 protein (p.Asn2710Lys).

Stanford Center for Inherited Cardiovascular Disease, Stanford University
Classification: Uncertain significance. Last evaluated: 2013-04-26. Review status: criteria provided, single submitter. Criteria: ACMG Guidelines, 2015. Collection method: provider interpretation. Allele origin: germline.